The following is an entry in ClinVar:

NM_002878.4(RAD51D):c.263+1585C>G

Genes: RAD51D (RAD51 paralog D; minus strand), RAD51L3-RFFL (RAD51L3-RFFL readthrough; minus strand). Cytogenetic location: 17q12.
Variant type: single nucleotide variant.
Coding change: c.263+1585C>G on transcript NM_002878.4 (MANE Select); 1585 bases into the intron after coding-DNA position 263, C replaced by G.
Molecular consequence: intron variant. On other transcripts: missense variant (1).
Genome position (GRCh38, 1-based): chr17:35,116,916, G>C on the plus strand (C>G on the coding strand, the complement: RAD51D is on the minus strand). VCF-style: chr17-35116916-G-C. GRCh37 (hg19) VCF-style: chr17-33443935-G-C.
Other names: c.266C>G (NM_001142571.1); c.266C>G, p.Thr89Arg (NM_001142571.2); c.144+2195C>G (NM_133629.3); short protein forms T89R.
Identifiers: ClinVar variation 803384 (VCV000803384.2), dbSNP rs1192914615, ClinGen allele CA399090913.

ClinVar aggregate classification (germline): Uncertain significance. Review status: criteria provided, multiple submitters, no conflicts (2 of 4 stars). 2 submissions from 2 submitters: Uncertain significance (2). Last evaluated 2026-07-06.

Conditions:
Hereditary cancer-predisposing syndrome. Also called: Tumor predisposition; Hereditary Cancer Syndrome; Neoplastic Syndromes, Hereditary; Hereditary neoplastic syndrome. Identifiers: Orphanet 140162, MedGen C0027672, MeSH D009386, MONDO:0015356.
Breast-ovarian cancer, familial, susceptibility to, 4. Identifiers: Orphanet 145, MedGen C3280345, MONDO:0013669, OMIM 614291.

Allele frequency attached by ClinVar (database versions not stated): TOPMed below 0.00001; gnomAD 0.00001.
gnomAD v4.1: 4 of 1,608,514 alleles (0.00025%); highest among the groups gnomAD compares: Non-Finnish European, 0.00034%; no homozygotes.

Submissions (2):

Ambry Genetics
Classification: Uncertain significance for Hereditary cancer-predisposing syndrome. Last evaluated: 2026-07-06. Review status: criteria provided, single submitter. Criteria: Ambry Variant Classification Scheme 2023. Collection method: clinical testing. Allele origin: germline.
Comment: The p.T89R variant (also known as c.266C>G), located in coding exon 3 of the RAD51D gene, results from a C to G substitution at nucleotide position 266. The threonine at codon 89 is replaced by arginine, an amino acid with similar properties. This amino acid position is conserved. In addition, this alteration is predicted to be tolerated by in silico analysis. Based on the available evidence, the clinical significance of this variant remains unclear.

Mendelics
Classification: Uncertain significance for Breast-ovarian cancer, familial, susceptibility to, 4. Last evaluated: 2019-05-28. Review status: criteria provided, single submitter. Criteria: Mendelics Assertion Criteria 2017. Collection method: clinical testing. Allele origin: unknown.